The following is an entry in ClinVar:

NM_015272.5(RPGRIP1L):c.*1033G>A

Gene: RPGRIP1L (RPGRIP1 like; minus strand). Cytogenetic location: 16q12.2.
Variant type: single nucleotide variant.
Coding change: c.*1033G>A on transcript NM_015272.5 (MANE Select); 1033 bases downstream of the stop codon, G replaced by A.
Molecular consequence: 3 prime UTR variant.
Genome position (GRCh38, 1-based): chr16:53,601,043, C>T on the plus strand (G>A on the coding strand, the complement: RPGRIP1L is on the minus strand). VCF-style: chr16-53601043-C-T. GRCh37 (hg19) VCF-style: chr16-53634955-C-T.
Other names: c.*1033G>A (NM_001127897.4, NM_001308334.3, NM_001330538.2).
Identifiers: ClinVar variation 886238 (VCV000886238.4), dbSNP rs145688122, ClinGen allele CA281347342.

ClinVar aggregate classification (germline): Conflicting classifications of pathogenicity. Review status: criteria provided, conflicting classifications (1 of 4 stars). 3 submissions from 1 submitter: Uncertain significance (1); Likely benign (2). Last evaluated 2018-01-12.

Conditions:
Nephronophthisis 8. Identifiers: MedGen CN119610.
Meckel syndrome, type 5 (MKS5). Identifiers: Orphanet 564, MedGen C1969052, MONDO:0012695, OMIM 611561.
Joubert syndrome 7 (JBTS7). Identifiers: Orphanet 220497, MedGen C1969053, MONDO:0012694, OMIM 611560.

Allele frequency attached by ClinVar (database versions not stated): gnomAD 0.00032 and 0.00053; TOPMed 0.00048; 1000 Genomes Project 30x 0.00359; 1000 Genomes Project 0.00399.

Submissions (3):

Illumina Laboratory Services, Illumina
Classification: Likely benign for Nephronophthisis 8. Last evaluated: 2018-01-12. Review status: criteria provided, single submitter. Criteria: ICSL Variant Classification Criteria 13 December 2019. Collection method: clinical testing. Allele origin: germline.
Comment: This variant was observed in the ICSL laboratory as part of a predisposition screen in an ostensibly healthy population. It had not been previously curated by ICSL or reported in the Human Gene Mutation Database (HGMD: prior to June 1st, 2018), and was therefore a candidate for classification through an automated scoring system. Utilizing variant allele frequency, disease prevalence and penetrance estimates, and inheritance mode, an automated score was calculated to assess if this variant is too frequent to cause the disease. Based on the score and internal cut-off values, a variant classified as likely benign is not then subjected to further curation. The score for this variant resulted in a classification of likely benign for this disease.

Illumina Laboratory Services, Illumina
Classification: Likely benign for Joubert syndrome 7. Last evaluated: 2018-01-12. Review status: criteria provided, single submitter. Criteria: ICSL Variant Classification Criteria 13 December 2019. Collection method: clinical testing. Allele origin: germline.
Comment: the same text as in the submission from Illumina Laboratory Services, Illumina above.

Illumina Laboratory Services, Illumina
Classification: Uncertain significance for Meckel syndrome, type 5. Last evaluated: 2018-01-12. Review status: criteria provided, single submitter. Criteria: ICSL Variant Classification Criteria 13 December 2019. Collection method: clinical testing. Allele origin: germline.